The following is an entry in ClinVar:

NM_000257.4(MYH7):c.3551A>T (p.Gln1184Leu)

Gene: MYH7 (myosin heavy chain 7; minus strand). Cytogenetic location: 14q11.2.
Variant type: single nucleotide variant.
Coding change: c.3551A>T on transcript NM_000257.4 (MANE Select); coding-DNA position 3551, A replaced by T.
Protein change: p.Gln1184Leu; replaces glutamine 1184 with leucine.
Molecular consequence: missense variant.
Genome position (GRCh38, 1-based): chr14:23,420,020, T>A on the plus strand (A>T on the coding strand, the complement: MYH7 is on the minus strand). VCF-style: chr14-23420020-T-A. GRCh37 (hg19) VCF-style: chr14-23889229-T-A.
Other names: p.Q1184L:CAG>CTG; c.3551A>T (LRG_384t1); short protein forms Q1184L.
Identifiers: ClinVar variation 181226 (VCV000181226.16), dbSNP rs546586969, ClinGen allele CA013801.

ClinVar aggregate classification (germline): Conflicting classifications of pathogenicity. Review status: criteria provided, conflicting classifications (1 of 4 stars). 8 submissions from 8 submitters: Uncertain significance (6); Likely benign (2). Last evaluated 2026-01-18.

Conditions:
Cardiovascular phenotype. Identifiers: MedGen CN230736.
Cardiomyopathy (CMYO). Also called: Cardiomyopathies. Identifiers: Orphanet 167848, MedGen C0878544, MONDO:0004994, HP:0001638. Inheritance: Various modes of inheritance.
Hypertrophic cardiomyopathy. Also called: HYPERTROPHIC MYOCARDIOPATHY. Identifiers: Orphanet 217569, MedGen C0007194, MeSH D002312, MONDO:0005045, HP:0001639.

Allele frequency attached by ClinVar (database versions not stated): gnomAD 0.00001; gnomAD exomes 0.00001 and 0.00005; TOPMed 0.00001; ExAC 0.00005; 1000 Genomes Project 30x 0.00031; 1000 Genomes Project 0.00040.

Submissions (8):

Labcorp Genetics (formerly Invitae), Labcorp
Classification: Uncertain significance for Hypertrophic cardiomyopathy. Last evaluated: 2026-01-18. Review status: criteria provided, single submitter. Criteria: Invitae Variant Classification Sherloc (09022015). Collection method: clinical testing. Allele origin: germline.
Comment: This sequence change replaces glutamine, which is neutral and polar, with leucine, which is neutral and non-polar, at codon 1184 of the MYH7 protein (p.Gln1184Leu). This variant is present in population databases (rs546586969, gnomAD 0.06%). This missense change has been observed in individual(s) with hypertrophic cardiomyopathy (PMID: 30297972). ClinVar contains an entry for this variant (Variation ID: 181226). Invitae Evidence Modeling of protein sequence and biophysical properties (such as structural, functional, and spatial information, amino acid conservation, physicochemical variation, residue mobility, and thermodynamic stability) indicates that this missense variant is expected to disrupt MYH7 protein function with a positive predictive value of 95%. In summary, the available evidence is currently insufficient to determine the role of this variant in disease. Therefore, it has been classified as a Variant of Uncertain Significance.

Color Diagnostics, LLC DBA Color Health
Classification: Likely benign for Cardiomyopathy. Last evaluated: 2024-12-19. Review status: criteria provided, single submitter. Criteria: ACMG Guidelines, 2015. Collection method: clinical testing. Allele origin: germline.

All of Us Research Program, National Institutes of Health
Classification: Uncertain significance for Cardiomyopathy. Last evaluated: 2023-11-30. Review status: criteria provided, single submitter. Criteria: ACMG Guidelines, 2015. Collection method: clinical testing. Allele origin: germline. Inheritance: Autosomal dominant inheritance. Observed: 3 variant alleles, 3 heterozygotes.
Comment: This study involves interpretation of variants in research participants for the purpose of population health screening. Participant phenotype was not available at the time of variant classification. Additional details can be found in publication PMID: 35346344, PMCID: PMC8962531

Blueprint Genetics
Classification: Uncertain significance. Last evaluated: 2023-11-15. Review status: criteria provided, single submitter. Criteria: ACMG Guidelines, 2015. Collection method: clinical testing. Allele origin: germline.

Women's Health and Genetics/Laboratory Corporation of America, LabCorp
Classification: Uncertain significance. Last evaluated: 2023-02-15. Review status: criteria provided, single submitter. Criteria: LabCorp Variant Classification Summary - May 2015. Collection method: clinical testing. Allele origin: germline.
Comment: Variant summary: MYH7 c.3551A>T (p.Gln1184Leu) results in a non-conservative amino acid change located in the Myosin tail domain (IPR002928) of the encoded protein sequence. Four of five in-silico tools predict a damaging effect of the variant on protein function. The variant allele was found at a frequency of 4.6e-05 in 215646 control chromosomes. This frequency is not significantly higher than estimated for a pathogenic variant in MYH7 causing Cardiomyopathy (4.6e-05 vs 0.0013), allowing no conclusion about variant significance. c.3551A>T has been reported in the literature in individuals affected with hypertrophic cardiomyopathy, while it was also identified in two asymptomatic family members related to one of the affected individuals (e.g., Ho_2018, Tran-Vu_2019). These reports do not provide unequivocal conclusions about association of the variant with Cardiomyopathy. To our knowledge, no experimental evidence demonstrating an impact on protein function has been reported. Three clinical diagnostic laboratories have submitted clinical-significance assessments for this variant to ClinVar after 2014 with conflicting assessments; two laboratories classified the variant as uncertain significance and one laboratory classified the variant as likely benign. Based on the evidence outlined above, the variant was classified as uncertain significance.

Ambry Genetics
Classification: Likely benign for Cardiovascular phenotype. Last evaluated: 2020-09-16. Review status: criteria provided, single submitter. Criteria: Ambry Variant Classification Scheme 2023. Collection method: clinical testing. Allele origin: germline.

GeneDx
Classification: Uncertain significance. Last evaluated: 2017-05-26. Review status: criteria provided, single submitter. Criteria: GeneDx Variant Classification (06012015). Collection method: clinical testing. Allele origin: germline. Affected: yes.
Comment: A variant of uncertain significance has been identified in the MYH7 gene. The Q1184L variant has not been published as pathogenic or been reported as benign to our knowledge. This variant is not observed at a significant frequency in large population cohorts (Lek et al., 2016; 1000 Genomes Consortium et al., 2015; Exome Variant Server). The Q1184L variant is a non-conservative amino acid substitution, which is likely to impact secondary protein structure as these residues differ in polarity, charge, size and/or other properties. This substitution occurs at a position that is conserved across species and in silico analysis predicts this variant is probably damaging to the protein structure/function. However, this variant lacks observation in a significant number of affected individuals, segregation data, and functional evidence, which would further clarify its pathogenicity.

Stanford Center for Inherited Cardiovascular Disease, Stanford University
Classification: Uncertain significance. Last evaluated: 2014-03-03. Review status: criteria provided, single submitter. Criteria: ACMG Guidelines, 2015. Collection method: provider interpretation. Allele origin: germline.

Literature cited by the submitters: PubMed 30297972 (cited by 3 submitters); PubMed 31308319 (cited by Women's Health and Genetics/Laboratory Corporation of America, LabCorp).